The following is an entry in ClinVar:

NM_001851.6(COL9A1):c.1760A>G (p.Glu587Gly)

Gene: COL9A1 (collagen type IX alpha 1 chain; minus strand). Cytogenetic location: 6q13.
Variant type: single nucleotide variant.
Coding change: c.1760A>G on transcript NM_001851.6 (MANE Select); coding-DNA position 1760, A replaced by G.
Protein change: p.Glu587Gly; replaces glutamic acid 587 with glycine.
Molecular consequence: missense variant. On other transcripts: non-coding transcript variant (1).
Genome position (GRCh38, 1-based): chr6:70,253,389, T>C on the plus strand (A>G on the coding strand, the complement: COL9A1 is on the minus strand). VCF-style: chr6-70253389-T-C. GRCh37 (hg19) VCF-style: chr6-70963092-T-C.
Other names: c.1061A>G, p.Glu354Gly (NM_001377289.1); c.1031A>G, p.Glu344Gly (NM_001377290.1, NM_078485.4); short protein forms E354G, E344G, E587G.
Identifiers: ClinVar variation 1413757 (VCV001413757.6), dbSNP rs2127575414, ClinGen allele CA364677295.

ClinVar aggregate classification (germline): Uncertain significance (1 of 4 stars; one submission).

Allele frequency attached by ClinVar (database versions not stated): gnomAD exomes below 0.00001.
gnomAD v4.1: 1 of 1,598,294 alleles (0.000063%); highest among the groups gnomAD compares: Non-Finnish European, 0.000086%; no homozygotes.

Submission:

Labcorp Genetics (formerly Invitae), Labcorp
Classification: Uncertain significance. Last evaluated: 2021-11-09. Review status: criteria provided, single submitter. Criteria: Invitae Variant Classification Sherloc (09022015). Collection method: clinical testing. Allele origin: germline.
Comment: In summary, the available evidence is currently insufficient to determine the role of this variant in disease. Therefore, it has been classified as a Variant of Uncertain Significance. Advanced modeling of protein sequence and biophysical properties (such as structural, functional, and spatial information, amino acid conservation, physicochemical variation, residue mobility, and thermodynamic stability) performed at Invitae indicates that this missense variant is not expected to disrupt COL9A1 protein function. This variant has not been reported in the literature in individuals affected with COL9A1-related conditions. This variant is not present in population databases (gnomAD no frequency). This sequence change replaces glutamic acid, which is acidic and polar, with glycine, which is neutral and non-polar, at codon 587 of the COL9A1 protein (p.Glu587Gly).